The following is an entry in ClinVar:

ClinVar aggregate classification (germline): Conflicting classifications of pathogenicity. Review status: criteria provided, conflicting classifications (1 of 4 stars). 3 submissions from 3 submitters: Likely pathogenic (1); Uncertain significance (1). 1 of the submissions does not count toward it. Last evaluated 2024-06-12.

Conditions:
Familial hypercholesterolemia. Also called: Familial hypercholesterolaemia. Identifiers: MedGen C0020445, MONDO:0005439.
Lipoprotein glomerulopathy (LPG). Identifiers: Orphanet 329481, MedGen C2673196, MONDO:0012725, OMIM 611771.
Familial type 3 hyperlipoproteinemia. Also called: Hyperlipoproteinemia type 3; Hyperlipoproteinemia type III; Dysbetalipoproteinemia; Familial dysbetalipoproteinemia; Broad beta disease; Remnant removal disease. Identifiers: Orphanet 412, MedGen C0020479, MONDO:0018473, OMIM 617347.

Allele frequency attached by ClinVar (database versions not stated): gnomAD exomes 0.00001; TOPMed 0.00001.

Submissions (3):

Cambridge Genomics Laboratory, East Genomic Laboratory Hub, NHS Genomic Medicine Service
Classification: Uncertain significance for Familial hypercholesterolaemia. Last evaluated: 2024-06-12. Review status: criteria provided, single submitter. Criteria: ACGS Best Practice Guidelines for Variant Classification in Rare Disease 2020. Collection method: clinical testing. Allele origin: germline. Affected: yes.
Comment: The p.Arg163His variant is observed in 1/12.054 (0.0083%) alleles from individuals of gnomAD East Asian background in gnomAD All. The p.Arg163His variant is novel (not in any individuals) in 1kG All. The p.Arg163His variant is novel (not in any individuals) in gnomAD Genomes v3 All. (PM2 - Moderate) | The gene APOE contains 8 pathogenic missense variants, indicating that missense variants are a common mechanism of disease in this gene. (PP2 - Supporting)

3billion
Classification: Likely pathogenic for Lipoprotein glomerulopathy. Last evaluated: 2022-05-22. Review status: criteria provided, single submitter. Criteria: ACMG Guidelines, 2015. Collection method: clinical testing. Allele origin: germline. Affected: yes. Observed: 1 heterozygote.
Comment: The variant is observed at an extremely low frequency in the gnomAD v2.1.1 dataset (total allele frequency: <0.001%). Missense changes are a common disease-causing mechanism. In silico tool predictions suggest damaging effect of the variant on gene or gene product (REVEL: 0.64; 3Cnet: 0.00). Same nucleotide change resulting in same amino acid change has been previously reported to be associated with APOE related disorder (ClinVar ID: VCV000017865 / PMID: 15256764). Different missense changes at the same codon (p.Arg163Cys, p.Arg163Pro) have been reported to be associated with APOE related disorder (ClinVar ID: VCV000017851, VCV000017879 / PMID: 3243553, 9176854). Therefore, this variant is classified as likely pathogenic according to the recommendation of ACMG/AMP guideline.

OMIM
Classification: Pathogenic for HYPERLIPOPROTEINEMIA, TYPE III, DUE TO APOE3(-)-KOCHI. Last evaluated: 1990-11-01. Review status: no assertion criteria provided. Collection method: literature only. Allele origin: germline. Not counted in ClinVar's aggregate classification.

Literature cited by the submitters: PubMed 9176854 (cited by 3billion); PubMed 15256764 (cited by 3billion); PubMed 3243553 (cited by 3billion); PubMed 2101409 (cited by OMIM).

NM_000041.4(APOE):c.488G>A (p.Arg163His)

Gene: APOE (apolipoprotein E; plus strand). Cytogenetic location: 19q13.32.
Variant type: single nucleotide variant.
Coding change: c.488G>A on transcript NM_000041.4 (MANE Select); coding-DNA position 488, G replaced by A.
Protein change: p.Arg163His; replaces arginine 163 with histidine.
Molecular consequence: missense variant.
Genome position (GRCh38, 1-based): chr19:44,908,784, G>A. VCF-style: chr19-44908784-G-A. GRCh37 (hg19) VCF-style: chr19-45412041-G-A.
Other names: R145H; c.566G>A, p.Arg189His (NM_001302688.2); c.488G>A, p.Arg163His (NM_001302689.2, NM_001302690.2, NM_001302691.2); short protein forms R163H, R189H.
Identifiers: ClinVar variation 17865 (VCV000017865.4), dbSNP rs121918397, ClinGen allele CA127513.